The following is an entry in ClinVar:

NM_025137.4(SPG11):c.2764G>A (p.Val922Ile)

Gene: SPG11 (SPG11 vesicle trafficking associated, spatacsin; minus strand). Cytogenetic location: 15q21.1.
Variant type: single nucleotide variant.
Coding change: c.2764G>A on transcript NM_025137.4 (MANE Select); coding-DNA position 2764, G replaced by A.
Protein change: p.Val922Ile; replaces valine 922 with isoleucine.
Molecular consequence: missense variant.
Genome position (GRCh38, 1-based): chr15:44,620,260, C>T on the plus strand (G>A on the coding strand, the complement: SPG11 is on the minus strand). VCF-style: chr15-44620260-C-T. GRCh37 (hg19) VCF-style: chr15-44912458-C-T.
Other names: c.2764G>A, p.Val922Ile (NM_001160227.2); short protein forms V922I.
Identifiers: ClinVar variation 648567 (VCV000648567.29), dbSNP rs139399250, ClinGen allele CA7535149.

ClinVar aggregate classification (germline): Uncertain significance. Review status: criteria provided, multiple submitters, no conflicts (2 of 4 stars). 6 submissions from 4 submitters: Uncertain significance (6). Last evaluated 2024-04-01.

Conditions:
Hereditary spastic paraplegia 11. Also called: SPASTIC PARAPLEGIA, AUTOSOMAL RECESSIVE, COMPLICATED, WITH THIN CORPUS CALLOSUM; SPASTIC PARAPLEGIA, AUTOSOMAL RECESSIVE, WITH MENTAL IMPAIRMENT AND THIN CORPUS CALLOSUM; Spastic Paraplegia 11; Spastic paraplegia, mental retardation and thin corpus callosum; Nakamura Osame syndrome; Autosomal recessive hereditary spastic paraplegia, mental impairment, and thin corpus callosum. Identifiers: Orphanet 2822, MedGen C1858479, MONDO:0011445, OMIM 604360.
Hereditary spastic paraplegia. Also called: Familial spastic paraparesis. Identifiers: Orphanet 685, MedGen C0037773, MONDO:0019064. Disease mechanism: loss of function.
Charcot-Marie-Tooth disease axonal type 2X. Also called: CHARCOT-MARIE-TOOTH DISEASE, AXONAL, AUTOSOMAL RECESSIVE, TYPE 2X; CHARCOT-MARIE-TOOTH NEUROPATHY, TYPE 2X. Identifiers: Orphanet 466775, MedGen C5569024, MONDO:0014726, OMIM 616668.
Amyotrophic lateral sclerosis type 5 (ALS5). Also called: AMYOTROPHIC LATERAL SCLEROSIS 5, JUVENILE. Identifiers: Orphanet 300605, MedGen C1865864, MONDO:0011196, OMIM 602099.

Allele frequency attached by ClinVar (database versions not stated): gnomAD exomes 0.00003 and 0.00005; ExAC 0.00004; gnomAD 0.00004; ESP Exome Variant Server 0.00008; TOPMed 0.00008.
gnomAD v4.1: 72 of 1,613,934 alleles (0.0045%); highest among the groups gnomAD compares: Non-Finnish European, 0.006%; no homozygotes.

Submissions (6):

CeGaT Center for Human Genetics Tuebingen
Classification: Uncertain significance. Last evaluated: 2024-04-01. Review status: criteria provided, single submitter. Criteria: CeGaT Center For Human Genetics Tuebingen Variant Classification Criteria Version 2. Collection method: clinical testing. Allele origin: germline. Affected: yes. Observed: 1 variant allele.
Comment: SPG11: PM2, BP4

Labcorp Genetics (formerly Invitae), Labcorp
Classification: Uncertain significance for Hereditary spastic paraplegia 11. Last evaluated: 2022-03-21. Review status: criteria provided, single submitter. Criteria: Invitae Variant Classification Sherloc (09022015). Collection method: clinical testing. Allele origin: germline.
Comment: This sequence change replaces valine, which is neutral and non-polar, with isoleucine, which is neutral and non-polar, at codon 922 of the SPG11 protein (p.Val922Ile). This variant is present in population databases (rs139399250, gnomAD 0.007%). This variant has not been reported in the literature in individuals affected with SPG11-related conditions. ClinVar contains an entry for this variant (Variation ID: 648567). Algorithms developed to predict the effect of missense changes on protein structure and function output the following: SIFT: "Tolerated"; PolyPhen-2: "Benign"; Align-GVGD: "Class C0". The isoleucine amino acid residue is found in multiple mammalian species, which suggests that this missense change does not adversely affect protein function. In summary, the available evidence is currently insufficient to determine the role of this variant in disease. Therefore, it has been classified as a Variant of Uncertain Significance.

Genome Diagnostics Laboratory, The Hospital for Sick Children
Classification: Uncertain significance for Hereditary spastic paraplegia. Last evaluated: 2018-08-01. Review status: criteria provided, single submitter. Criteria: ACMG Guidelines, 2015. Collection method: clinical testing. Allele origin: germline. Affected: yes.

Genome-Nilou Lab
Classification: Uncertain significance for Amyotrophic lateral sclerosis type 5. Review status: criteria provided, single submitter. Criteria: ACMG Guidelines, 2015. Collection method: clinical testing. Allele origin: germline.

Genome-Nilou Lab
Classification: Uncertain significance for Charcot-Marie-Tooth disease axonal type 2X. Review status: criteria provided, single submitter. Criteria: ACMG Guidelines, 2015. Collection method: clinical testing. Allele origin: germline.

Genome-Nilou Lab
Classification: Uncertain significance for Hereditary spastic paraplegia 11. Review status: criteria provided, single submitter. Criteria: ACMG Guidelines, 2015. Collection method: clinical testing. Allele origin: germline.